The following is an entry in ClinVar:

NM_201384.3(PLEC):c.9598C>T (p.Arg3200Trp)

Gene: PLEC (plectin; minus strand). Cytogenetic location: 8q24.3.
Variant type: single nucleotide variant.
Coding change: c.9598C>T on transcript NM_201384.3 (MANE Select); coding-DNA position 9598, C replaced by T.
Protein change: p.Arg3200Trp; replaces arginine 3200 with tryptophan.
Molecular consequence: missense variant.
Genome position (GRCh38, 1-based): chr8:143,920,223, G>A on the plus strand (C>T on the coding strand, the complement: PLEC is on the minus strand). VCF-style: chr8-143920223-G-A. GRCh37 (hg19) VCF-style: chr8-144994391-G-A.
Other names: c.9679C>T, p.Arg3227Trp (NM_000445.5); c.9556C>T, p.Arg3186Trp (NM_201378.4); c.9532C>T, p.Arg3178Trp (NM_201379.3); c.10009C>T, p.Arg3337Trp (NM_201380.4); c.9502C>T, p.Arg3168Trp (NM_201381.3); c.9598C>T, p.Arg3200Trp (NM_201382.4); c.9610C>T, p.Arg3204Trp (NM_201383.3); c.9679C>T (NM_000445.3); short protein forms R3178W, R3200W, R3186W, R3204W, R3168W, R3227W, R3337W.
Identifiers: ClinVar variation 846193 (VCV000846193.11), dbSNP rs782188586, ClinGen allele CA4924918.

ClinVar aggregate classification (germline): Uncertain significance. Review status: criteria provided, multiple submitters, no conflicts (2 of 4 stars). 2 submissions from 2 submitters: Uncertain significance (2). Last evaluated 2025-12-15.

Conditions:
Epidermolysis bullosa simplex 5C, with pyloric atresia (EBS5C). Also called: PLEC1-Related Epidermolysis Bullosa with Pyloric Atresia; Epidermolysis bullosa simplex with pyloric atresia; PLEC-Related Epidermolysis Bullosa with Pyloric Atresia. Identifiers: Orphanet 158684, MedGen C2677349, MONDO:0012807, OMIM 612138.
Autosomal recessive limb-girdle muscular dystrophy type 2Q (LGMDR17). Also called: MUSCULAR DYSTROPHY, LIMB-GIRDLE, AUTOSOMAL RECESSIVE 17. Identifiers: Orphanet 254361, MedGen C3150989, MONDO:0013390, OMIM 613723.
Epidermolysis bullosa simplex with nail dystrophy (EBS5D). Identifiers: MedGen C4225309, MONDO:0014661, OMIM 616487.
Epidermolysis bullosa simplex 5B, with muscular dystrophy (EBS5B). Also called: Epidermolysis bullosa simplex with muscular dystrophy; EPIDERMOLYSIS BULLOSA SIMPLEX AND LIMB-GIRDLE MUSCULAR DYSTROPHY. Identifiers: Orphanet 257, MedGen C2931072, MONDO:0009181, OMIM 226670.
Epidermolysis bullosa simplex, Ogna type (EBS5A). Also called: EPIDERMOLYSIS BULLOSA SIMPLEX 5A, OGNA TYPE; Pidermolysis bullosa simplex 5A, Ogna type. Identifiers: Orphanet 79401, MedGen C0432317, MONDO:0007555, OMIM 131950.

Allele frequency attached by ClinVar (database versions not stated): gnomAD 0.00005 and 0.00006; gnomAD exomes 0.00006 and 0.00009; TOPMed 0.00006; ExAC 0.00011.
gnomAD v4.1: 94 of 1,605,604 alleles (0.0059%); highest among the groups gnomAD compares: East Asian, 0.031%; no homozygotes.

Submissions (2):

Labcorp Genetics (formerly Invitae), Labcorp
Classification: Uncertain significance for Autosomal recessive limb-girdle muscular dystrophy type 2Q; Epidermolysis bullosa simplex, Ogna type; Epidermolysis bullosa simplex with nail dystrophy; Epidermolysis bullosa simplex 5C, with pyloric atresia; Epidermolysis bullosa simplex 5B, with muscular dystrophy. Last evaluated: 2025-12-15. Review status: criteria provided, single submitter. Criteria: Invitae Variant Classification Sherloc (09022015). Collection method: clinical testing. Allele origin: germline.
Comment: This sequence change replaces arginine, which is basic and polar, with tryptophan, which is neutral and slightly polar, at codon 3227 of the PLEC protein (p.Arg3227Trp). This variant is present in population databases (rs782188586, gnomAD 0.04%). This variant has not been reported in the literature in individuals affected with PLEC-related conditions. ClinVar contains an entry for this variant (Variation ID: 846193). An algorithm developed to predict the effect of missense changes on protein structure and function (PolyPhen-2) suggests that this variant is likely to be disruptive. In summary, the available evidence is currently insufficient to determine the role of this variant in disease. Therefore, it has been classified as a Variant of Uncertain Significance.

Athena Diagnostics
Classification: Uncertain significance. Last evaluated: 2025-10-27. Review status: criteria provided, single submitter. Criteria: Athena Diagnostics Criteria. Collection method: clinical testing. Allele origin: unknown.
Comment: Available data are insufficient to determine the clinical significance of the variant at this time. The frequency of this variant in the general population is higher than would generally be expected for pathogenic variants in this gene. Polyphen and MutationTaster predict this amino acid change may be benign.